The following is an entry in ClinVar:

NM_003467.3(CXCR4):c.16-67T>A

Gene: CXCR4 (C-X-C motif chemokine receptor 4; minus strand). Cytogenetic location: 2q22.1.
Variant type: single nucleotide variant.
Coding change: c.16-67T>A on transcript NM_003467.3 (MANE Select); 67 bases into the intron before coding-DNA position 16, T replaced by A.
Molecular consequence: intron variant. On other transcripts: 5 prime UTR variant (1).
Genome position (GRCh38, 1-based): chr2:136,115,979, A>T on the plus strand (T>A on the coding strand, the complement: CXCR4 is on the minus strand). VCF-style: chr2-136115979-A-T. GRCh37 (hg19) VCF-style: chr2-136873549-A-T.
Other names: c.-40T>A (NM_001008540.2); c.115-67T>A (NM_001348059.2); c.229-67T>A (NM_001348056.2); c.-30-67T>A (NM_001348060.2).
Identifiers: ClinVar variation 1249487 (VCV001249487.5), dbSNP rs2680880, ClinGen allele CA1890179.

ClinVar aggregate classification (germline): Benign. Review status: criteria provided, multiple submitters, no conflicts (2 of 4 stars). 3 submissions from 3 submitters: Benign (3). Last evaluated 2024-01-24.

Allele frequency attached by ClinVar (database versions not stated): gnomAD 0.35171; 1000 Genomes Project 0.16973; gnomAD exomes 0.35803; 1000 Genomes Project 30x 0.17208; ESP Exome Variant Server 0.30759; TOPMed 0.31633; ExAC 0.36155.
gnomAD v4.1: 804,614 of 1,611,214 alleles (50%); highest among the groups gnomAD compares: Non-Finnish European, 59%; 230,646 homozygotes.

Submissions (3):

Unidad de Genómica Garrahan, Hospital de Pediatría Garrahan
Classification: Benign. Last evaluated: 2024-01-24. Review status: criteria provided, single submitter. Criteria: ACMG Guidelines, 2015. Collection method: clinical testing. Allele origin: germline. Affected: no. Observed: 32 variant alleles.
Comment: This variant is classified as Benign based on local population frequency. This variant was detected in 36% of patients studied by a panel of primary immunodeficiencies. Number of patients: 32. Only high quality variants are reported.

GeneDx
Classification: Benign. Last evaluated: 2021-05-11. Review status: criteria provided, single submitter. Criteria: GeneDx Variant Classification Process June 2021. Collection method: clinical testing. Allele origin: germline. Affected: yes.

Breakthrough Genomics
Classification: Benign. Review status: criteria provided, single submitter. Criteria: ACMG Guidelines, 2015. Collection method: not provided. Allele origin: germline. Inheritance: Autosomal dominant inheritance. Affected: yes.